The following is an entry in ClinVar:

ClinVar aggregate classification (germline): Uncertain significance (1 of 4 stars; one submission).

Submission:

GeneDx
Classification: Uncertain significance. Last evaluated: 2020-01-24. Review status: criteria provided, single submitter. Criteria: GeneDx Variant Classification Process June 2021. Collection method: clinical testing. Allele origin: germline. Affected: yes.
Comment: Not observed in large population cohorts (Lek et al., 2016); In silico analysis, which includes protein predictors and evolutionary conservation, supports that this variant does not alter protein structure/function; Has not been previously published as pathogenic or benign to our knowledge

NM_001813.3(CENPE):c.5257A>G (p.Asn1753Asp)

Gene: CENPE (centromere protein E; minus strand). Cytogenetic location: 4q24.
Variant type: single nucleotide variant.
Coding change: c.5257A>G on transcript NM_001813.3 (MANE Select); coding-DNA position 5257, A replaced by G.
Protein change: p.Asn1753Asp; replaces asparagine 1753 with aspartic acid.
Molecular consequence: missense variant.
Genome position (GRCh38, 1-based): chr4:103,143,295, T>C on the plus strand (A>G on the coding strand, the complement: CENPE is on the minus strand). VCF-style: chr4-103143295-T-C. GRCh37 (hg19) VCF-style: chr4-104064452-T-C.
Other names: c.5182A>G, p.Asn1728Asp (NM_001286734.2); short protein forms N1728D, N1753D.
Identifiers: ClinVar variation 1309351 (VCV001309351.2), dbSNP rs2125923003, ClinGen allele CA357777902.